The following is an entry in ClinVar:

ClinVar aggregate classification (germline): Uncertain significance. Review status: criteria provided, multiple submitters, no conflicts (2 of 4 stars). 3 submissions from 3 submitters: Uncertain significance (3). Last evaluated 2024-09-17.

Conditions:
Bethlem myopathy 1A. Also called: MYOPATHY, BENIGN CONGENITAL, WITH CONTRACTURES; Bethlem Muscular Dystrophy; Bethlem myopathy 1. Identifiers: Orphanet 610, MedGen CN029274, MONDO:0024530, OMIM 158810.

Allele frequency attached by ClinVar (database versions not stated): gnomAD 0.00001; gnomAD exomes 0.00001; TOPMed 0.00002; ExAC 0.00003.
gnomAD v4.1: 12 of 1,614,110 alleles (0.00074%); highest among the groups gnomAD compares: East Asian, 0.0022%; no homozygotes.

Submissions (3):

Women's Health and Genetics/Laboratory Corporation of America, LabCorp
Classification: Uncertain significance. Last evaluated: 2024-09-17. Review status: criteria provided, single submitter. Criteria: LabCorp Variant Classification Summary - May 2015. Collection method: clinical testing. Allele origin: germline.
Comment: Variant summary: COL6A3 c.6788G>A (p.Arg2263Gln) results in a conservative amino acid change in the encoded protein sequence. Four of five in-silico tools predict a damaging effect of the variant on protein function. The variant allele was found at a frequency of 2e-05 in 251472 control chromosomes (gnomAD). The available data on variant occurrences in the general population are insufficient to allow any conclusion about variant significance. c.6788G>A has been reported in the literature in one individual affected with Parkinsonian features and dystonia, and one individual who had a phenotype: feet weakness and difficulty walking; muscle weakness (legs>arms, proximal>distal); mild wasting in proximal of legs; mild ataxia; hands tremor; abnormal gait; genu valgum; difficulty walking, running and climbing steps; prominent calves; EMG-NCV: motor neuron disease. And elevated level of CPK (Jin_2021, Abolhassani_2024). These reports do not provide unequivocal conclusions about association of the variant with Ullrich Congenital Muscular Dystrophy 1. To our knowledge, no experimental evidence demonstrating an impact on protein function has been reported. The following publications have been ascertained in the context of this evaluation (PMID: 38374194, 33964895). ClinVar contains an entry for this variant (Variation ID: 2038589). Based on the evidence outlined above, the variant was classified as uncertain significance.

Labcorp Genetics (formerly Invitae), Labcorp
Classification: Uncertain significance for Bethlem myopathy 1A. Last evaluated: 2024-07-09. Review status: criteria provided, single submitter. Criteria: Invitae Variant Classification Sherloc (09022015). Collection method: clinical testing. Allele origin: germline.
Comment: This sequence change replaces arginine, which is basic and polar, with glutamine, which is neutral and polar, at codon 2263 of the COL6A3 protein (p.Arg2263Gln). This variant is present in population databases (rs779508804, gnomAD 0.01%). This missense change has been observed in individual(s) with clinical features of COL6A3-related conditions (PMID: 33964895). This variant is also known as c.4967G>A (p.R1656Q). ClinVar contains an entry for this variant (Variation ID: 2038589). Advanced modeling of protein sequence and biophysical properties (such as structural, functional, and spatial information, amino acid conservation, physicochemical variation, residue mobility, and thermodynamic stability) performed at Invitae indicates that this missense variant is expected to disrupt COL6A3 protein function with a positive predictive value of 80%. In summary, the available evidence is currently insufficient to determine the role of this variant in disease. Therefore, it has been classified as a Variant of Uncertain Significance.

Kariminejad - Najmabadi Pathology & Genetics Center
Classification: Uncertain significance. Last evaluated: 2020-03-09. Review status: criteria provided, single submitter. Criteria: ACMG Guidelines, 2015. Collection method: clinical testing. Allele origin: germline. Inheritance: Autosomal dominant inheritance. Affected: yes.
Comment: PM2

Literature cited by the submitters: PubMed 33964895 (cited by Women's Health and Genetics/Laboratory Corporation of America, LabCorp and Labcorp Genetics (formerly Invitae), Labcorp); PubMed 38374194 (cited by Women's Health and Genetics/Laboratory Corporation of America, LabCorp).

NM_004369.4(COL6A3):c.6788G>A (p.Arg2263Gln)

Gene: COL6A3 (collagen type VI alpha 3 chain; minus strand). Cytogenetic location: 2q37.3.
Variant type: single nucleotide variant.
Coding change: c.6788G>A on transcript NM_004369.4 (MANE Select); coding-DNA position 6788, G replaced by A.
Protein change: p.Arg2263Gln; replaces arginine 2263 with glutamine.
Molecular consequence: missense variant.
Genome position (GRCh38, 1-based): chr2:237,351,158, C>T on the plus strand (G>A on the coding strand, the complement: COL6A3 is on the minus strand). VCF-style: chr2-237351158-C-T. GRCh37 (hg19) VCF-style: chr2-238259801-C-T.
Other names: c.6170G>A, p.Arg2057Gln (NM_057167.4); c.4967G>A, p.Arg1656Gln (NM_057166.5); short protein forms R2057Q, R2263Q, R1656Q.
Identifiers: ClinVar variation 2038589 (VCV002038589.6), dbSNP rs779508804, ClinGen allele CA2188083.